The following is an entry in ClinVar:

NM_001165963.4(SCN1A):c.5536_5539del (p.Lys1846fs)

Genes: SCN1A (sodium voltage-gated channel alpha subunit 1; minus strand), LOC102724058 (uncharacterized LOC102724058; plus strand). Cytogenetic location: 2q24.3.
Variant type: Microsatellite.
Coding change: c.5536_5539del on transcript NM_001165963.4 (MANE Select); coding-DNA positions 5536 to 5539, 4 bases deleted (AAAC; older notation c.5536_5539delAAAC).
Protein change: p.Lys1846fs; shifts the reading frame from lysine 1846.
Molecular consequence: frameshift variant. On other transcripts: non-coding transcript variant (1).
Genome position (GRCh38, 1-based): chr2:165,991,736-165,991,739, GTTT deleted on the plus strand (AAAC on the coding strand, the reverse complement: SCN1A is on the minus strand); deleting any 4 consecutive bases within chr2:165,991,736-165,991,744 gives the same sequence; the c. name uses the placement nearest the transcript's 3' end. VCF-style (leftmost placement, unchanged base first): chr2-165991735-AGTTT-A. GRCh37 (hg19) VCF-style: chr2-166848245-AGTTT-A.
Other names: NP_001159435.1:p.(Lys1846SerfsTer11); c.5452_5455del, p.Lys1818fs (NM_001165964.3, NM_001353957.2, NM_001353958.2); c.5536_5539del, p.Lys1846fs (NM_001202435.3, NM_001353948.2); c.5503_5506del, p.Lys1835fs (NM_001353949.2, NM_001353950.2, NM_001353951.2 and 2 more transcripts); c.5536_5539delAAAC (NM_001165963.4, NM_001165963.1, NM_001165963.2); c.5536_5539del (NM_001202435.1, NM_001165963.2); c.5500_5503del, p.Lys1834fs (NM_001353954.2, NM_001353955.2); c.5449_5452del, p.Lys1817fs (NM_001353960.2); and 1 more; short protein forms K1032fs, K1818fs, K1846fs, K1835fs, K1817fs, K1834fs.
Identifiers: ClinVar variation 189881 (VCV000189881.54), dbSNP rs794726726, ClinGen allele CA303196.

ClinVar aggregate classification (germline): Pathogenic. Review status: criteria provided, multiple submitters, no conflicts (2 of 4 stars). 14 submissions from 14 submitters: Pathogenic (14). Last evaluated 2026-01-19.

Conditions:
Developmental and epileptic encephalopathy 6B. Also called: Developmental and epileptic encephalopathy 6B, non-Dravet. Identifiers: MedGen C5543353, MONDO:0030268, OMIM 619317.
Early-infantile DEE. Also called: Ohtahara syndrome; Early infantile epileptic encephalopathy with suppression bursts; Early infantile epileptic encephalopathy. Identifiers: Orphanet 1934, MedGen C0393706, MONDO:0800491.
Autosomal dominant SCN1A-related disorders.
SCN1A Seizure Disorders. Identifiers: MedGen CN381098.
Inborn genetic diseases. Identifiers: MedGen C0950123, MeSH D030342.
Epilepsy. Also called: Seizure disorder. Identifiers: MedGen C0014544, MeSH D004827, MONDO:0005027.
Generalized epilepsy with febrile seizures plus, type 2 (GEFSP2). Also called: GEFS+, TYPE 2. Identifiers: Orphanet 36387, MedGen C1858673, MONDO:0011461, OMIM 604403.
Severe myoclonic epilepsy in infancy (DRVT). Also called: SEVERE MYOCLONIC EPILEPSY OF INFANCY; DEVELOPMENTAL AND EPILEPTIC ENCEPHALOPATHY 6A; Severe Myoclonic Epilepsy in Infancy (SMEI); Dravet syndrome; Epileptic encephalopathy, early infantile, 6 (Dravet syndrome). Identifiers: Orphanet 33069, MedGen C0751122, MONDO:0100135, OMIM 607208.

Submissions 1 to 11 of 14:

Cytogénomique, Hospices Civils de Lyon
Classification: Pathogenic for Epilepsy. Last evaluated: 2026-01-19. Review status: criteria provided, single submitter. Criteria: ACMG Guidelines, 2015. Collection method: clinical testing. Allele origin: germline. Affected: yes.

Labcorp Genetics (formerly Invitae), Labcorp
Classification: Pathogenic for Early-infantile DEE. Last evaluated: 2025-10-15. Review status: criteria provided, single submitter. Criteria: Invitae Variant Classification Sherloc (09022015). Collection method: clinical testing. Allele origin: germline.
Comment: This sequence change creates a premature translational stop signal (p.Lys1846Serfs*11) in the SCN1A gene. While this is not anticipated to result in nonsense mediated decay, it is expected to disrupt the last 164 amino acid(s) of the SCN1A protein. This variant is not present in population databases (gnomAD no frequency). This premature translational stop signal has been observed in individual(s) with Dravet syndrome (also known as severe myoclonic epilepsy of infancy) (PMID: 11359211, 14504318, 21719429). In at least one individual the variant was observed to be de novo. ClinVar contains an entry for this variant (Variation ID: 189881). For these reasons, this variant has been classified as Pathogenic.

Variantyx, Inc.
Classification: Pathogenic for Autosomal dominant SCN1A-related disorders. Last evaluated: 2025-10-09. Review status: criteria provided, single submitter. Criteria: Variantyx Assertion Criteria 2022. Collection method: clinical testing. Allele origin: de novo. Inheritance: Autosomal dominant inheritance. Affected: yes.
Comment: This is a frameshift variant in the SCN1A gene (OMIM: 182389). Pathogenic variants in this gene have been associated with autosomal dominant SCN1A-related disorders. This variant has been reported in many unrelated affected individuals (PMID: 14504318, 21719429, 31440721, 31765958, 31864146, 32090326, 35701389, 35886038, 38891831, 39299018) (PS4_Very_Strong), and it likely occurred de novo in the current proband and individuals reported in the published literature; however, the possibility of parental germline mosaicism cannot be excluded (PMID: 38785537, 34145886, 30945278, 11359211) (PS2). The alteration introduces a premature termination codon in exon 29 out of 29 and is expected to result in loss of function through protein truncation, which is a known disease mechanism for SCN1A in this disorder (PMID: 26731440) (PVS1). This variant is absent from control populations (PM2). Based on the current evidence, this variant is classified as pathogenic for autosomal dominant SCN1A-related disorders.

Dubai Health Genomic Medicine Center, Dubai Health
Classification: Pathogenic for Developmental and epileptic encephalopathy 6B. Last evaluated: 2024-10-04. Review status: criteria provided, single submitter. Criteria: ACMG Guidelines, 2015. Collection method: research. Allele origin: germline. Affected: yes.
Comment: PVS1,PS2,PM2

Athena Diagnostics
Classification: Pathogenic. Last evaluated: 2024-06-25. Review status: criteria provided, single submitter. Criteria: Athena Diagnostics Criteria. Collection method: clinical testing. Allele origin: unknown.
Comment: This variant is expected to result in the loss of a functional protein. This variant has not been reported in large, multi-ethnic general populations. This variant has been identified in multiple unrelated individuals with Dravet syndrome, including individuals where the variant occurred de novo.

Illumina Laboratory Services, Illumina
Classification: Pathogenic for SCN1A seizure disorders. Last evaluated: 2023-06-19. Review status: criteria provided, single submitter. Criteria: ICSLVariantClassificationCriteria RUGD 01 April 2020. Collection method: clinical testing. Allele origin: unknown.
Comment: The SCN1A c.5536_5539del (p.Lys1846SerfsTer11) variant causes a shift in the protein reading frame that is predicted to result in premature termination of the protein. This variant occurs in the last exon of the gene and may escape nonsense-mediated mRNA decay. This variant has been reported in individuals with a phenotype consistent with SCN1A seizure disorders, the majority of which were found in a de novo state (PMID: 11359211; 18413471; 20431604; 21719429; 34055682; 34145886; 35701389; 35886038). The p.Lys1846SerfsTer11 variant is not observed in version 2.1.1 or version 3.1.2 of the Genome Aggregation Database. The variant was identified in a de novo state. Based on the available evidence, the c.5536_5539del (p.Lys1846SerfsTer11) variant is classified as pathogenic for SCN1A seizure disorders.

Unidad de Genómica Garrahan, Hospital de Pediatría Garrahan
Classification: Pathogenic for Severe myoclonic epilepsy in infancy. Last evaluated: 2023-01-01. Review status: criteria provided, single submitter. Criteria: ACMG Guidelines, 2015. Collection method: clinical testing. Allele origin: germline. Affected: yes. Observed: 1 variant allele.

CeGaT Center for Human Genetics Tuebingen
Classification: Pathogenic. Last evaluated: 2022-10-01. Review status: criteria provided, single submitter. Criteria: CeGaT Center For Human Genetics Tuebingen Variant Classification Criteria Version 2. Collection method: clinical testing. Allele origin: germline. Affected: yes. Observed: 1 variant allele.
Comment: SCN1A: PS2, PS4, PM2, PVS1:Moderate

Institute of Human Genetics, University of Leipzig Medical Center
Classification: Pathogenic for Generalized epilepsy with febrile seizures plus, type 2. Last evaluated: 2022-02-21. Review status: criteria provided, single submitter. Criteria: ACMG Guidelines, 2015. Collection method: clinical testing. Allele origin: de novo. Inheritance: Autosomal dominant inheritance. Affected: yes.

Victorian Clinical Genetics Services, Murdoch Childrens Research Institute
Classification: Pathogenic for Generalized epilepsy with febrile seizures plus, type 2. Last evaluated: 2020-10-19. Review status: criteria provided, single submitter. Criteria: ACMG Guidelines, 2015. Collection method: clinical testing. Allele origin: germline. Inheritance: Autosomal dominant inheritance. Affected: yes.
Comment: Based on the classification scheme VCGS_Germline_v1.3.3, this variant is classified as Pathogenic. Following criteria are met: 0103 - Loss of function and gain of function are known mechanisms of disease in this gene and are associated with SCN1A-related epilepsy (PMID: 28488083). (I) 0107 - This gene is associated with autosomal dominant disease. (I) 0205 - Variant is predicted to result in a truncated protein (premature termination codon is NOT located at least 54 nucleotides upstream of the final exon-exon junction) with less than 1/3 of the protein sequence affected. (SP) 0251 - This variant is heterozygous. (I) 0301 - Variant is absent from gnomAD (both v2 and v3). (SP) 0701 - Other truncating variants comparable to the one identified in this case have very strong previous evidence for pathogenicity. Multiple premature termination variants downstream have been reported as pathogenic (ClinVar). (SP) 0801 - This variant has strong previous evidence of pathogenicity in unrelated individuals. It has previously been described as pathogenic in multiple patients, including as de novo in patients with Dravet syndrome or infantile onset generalised tonic-clonic seizures (ClinVar, VCGS, PMIDs: 21719429, 29141279, 18413471). (SP) 1208 - Inheritance information for this variant is not currently available in this individual. (I) Legend: (SP) - Supporting pathogenic, (I) - Information, (SB) - Supporting benign

GeneDx
Classification: Pathogenic. Last evaluated: 2019-10-03. Review status: criteria provided, single submitter. Criteria: GeneDx Variant Classification Process June 2021. Collection method: clinical testing. Allele origin: germline. Affected: yes.
Comment: Frameshift variant in the C-terminus predicted to result in protein truncation as the last 164 amino acids are lost and replaced with 10 incorrect amino acids; Not observed in large population cohorts (Lek et al., 2016); This variant is associated with the following publications: (PMID: 18930999, 31864146, 26096185, 32090326, 16458823, 17347258, 18413471, 11359211, 17054684, 14504318, 21719429, 30945278, 31765958, 31031587)